The following is an entry in ClinVar:

NM_152384.3(BBS5):c.1003G>C (p.Gly335Arg)

Gene: BBS5 (Bardet-Biedl syndrome 5; plus strand). Cytogenetic location: 2q31.1.
Variant type: single nucleotide variant.
Coding change: c.1003G>C on transcript NM_152384.3 (MANE Select); coding-DNA position 1003, G replaced by C.
Protein change: p.Gly335Arg; replaces glycine 335 with arginine.
Molecular consequence: missense variant.
Genome position (GRCh38, 1-based): chr2:169,504,559, G>C. VCF-style: chr2-169504559-G-C. GRCh37 (hg19) VCF-style: chr2-170361069-G-C.
Other names: short protein forms G335R.
Identifiers: ClinVar variation 2095868 (VCV002095868.4), dbSNP rs1315524282, ClinGen allele CA349170487.

ClinVar aggregate classification (germline): Uncertain significance (1 of 4 stars; one submission).

Conditions:
Bardet-Biedl syndrome (BBS). Identifiers: Orphanet 110, MedGen C0752166, MONDO:0015229.

Submission:

Labcorp Genetics (formerly Invitae), Labcorp
Classification: Uncertain significance for Bardet-Biedl syndrome. Last evaluated: 2022-02-23. Review status: criteria provided, single submitter. Criteria: Invitae Variant Classification Sherloc (09022015). Collection method: clinical testing. Allele origin: germline.
Comment: In summary, the available evidence is currently insufficient to determine the role of this variant in disease. Therefore, it has been classified as a Variant of Uncertain Significance. Algorithms developed to predict the effect of missense changes on protein structure and function are either unavailable or do not agree on the potential impact of this missense change (SIFT: "Deleterious"; PolyPhen-2: "Probably Damaging"; Align-GVGD: "Class C0"). This variant has not been reported in the literature in individuals affected with BBS5-related conditions. This variant is not present in population databases (gnomAD no frequency). This sequence change replaces glycine, which is neutral and non-polar, with arginine, which is basic and polar, at codon 335 of the BBS5 protein (p.Gly335Arg).